The following is an entry in ClinVar:

ClinVar aggregate classification (germline): Uncertain significance. Review status: criteria provided, multiple submitters, no conflicts (2 of 4 stars). 4 submissions from 4 submitters: Uncertain significance (3). 1 of the submissions does not count toward it. Last evaluated 2024-10-07.

Conditions:
Hereditary cancer-predisposing syndrome. Also called: Tumor predisposition; Hereditary Cancer Syndrome; Hereditary neoplastic syndrome; Neoplastic Syndromes, Hereditary. Identifiers: Orphanet 140162, MedGen C0027672, MeSH D009386, MONDO:0015356.
Fanconi anemia (FA). Also called: Fanconi's anemia. Identifiers: Orphanet 84, MedGen C0015625, MeSH D005199, MONDO:0019391.

Allele frequency attached by ClinVar (database versions not stated): TOPMed below 0.00001; gnomAD exomes 0.00001.
gnomAD v4.1: 13 of 1,614,116 alleles (0.00081%); highest among the groups gnomAD compares: Non-Finnish European, 0.0011%; no homozygotes.

Submissions (4):

GeneDx
Classification: Uncertain significance. Last evaluated: 2024-10-07. Review status: criteria provided, single submitter. Criteria: GeneDx Variant Classification Process June 2021. Collection method: clinical testing. Allele origin: germline. Affected: yes.
Comment: Not observed at significant frequency in large population cohorts (gnomAD); In silico analysis supports that this missense variant has a deleterious effect on protein structure/function; Observed in an individual with ovarian cancer (PMID: 32546565); This variant is associated with the following publications: (PMID: 32546565, Gordon2000[Book])

Ambry Genetics
Classification: Uncertain significance for Hereditary cancer-predisposing syndrome. Last evaluated: 2022-12-12. Review status: criteria provided, single submitter. Criteria: Ambry Variant Classification Scheme 2023. Collection method: clinical testing. Allele origin: germline.
Comment: The p.W364R variant (also known as c.1090T>C), located in coding exon 11 of the FANCC gene, results from a T to C substitution at nucleotide position 1090. The tryptophan at codon 364 is replaced by arginine, an amino acid with dissimilar properties. This amino acid position is poorly conserved in available vertebrate species. In addition, this alteration is predicted to be tolerated by in silico analysis. Since supporting evidence is limited at this time, the clinical significance of this alteration remains unclear.

Labcorp Genetics (formerly Invitae), Labcorp
Classification: Uncertain significance for Fanconi anemia. Last evaluated: 2021-09-02. Review status: criteria provided, single submitter. Criteria: Invitae Variant Classification Sherloc (09022015). Collection method: clinical testing. Allele origin: germline.
Comment: This sequence change replaces tryptophan with arginine at codon 364 of the FANCC protein (p.Trp364Arg). The tryptophan residue is moderately conserved and there is a moderate physicochemical difference between tryptophan and arginine. This variant is not present in population databases (ExAC no frequency). This variant has not been reported in the literature in individuals affected with FANCC-related conditions. ClinVar contains an entry for this variant (Variation ID: 485549). Algorithms developed to predict the effect of missense changes on protein structure and function output the following: SIFT: "Tolerated"; PolyPhen-2: "Benign"; Align-GVGD: "Class C0". The arginine amino acid residue is found in multiple mammalian species, which suggests that this missense change does not adversely affect protein function. In summary, the available evidence is currently insufficient to determine the role of this variant in disease. Therefore, it has been classified as a Variant of Uncertain Significance.

Natera, Inc.
Classification: Uncertain significance for Fanconi anemia. Last evaluated: 2018-09-22. Review status: no assertion criteria provided. Collection method: clinical testing. Allele origin: germline. Not counted in ClinVar's aggregate classification.

NM_000136.3(FANCC):c.1090T>C (p.Trp364Arg)

Genes: AOPEP (aminopeptidase O (putative); plus strand), FANCC (FA complementation group C; minus strand). Cytogenetic location: 9q22.32.
Variant type: single nucleotide variant.
Coding change: c.1090T>C on transcript NM_000136.3 (MANE Select); coding-DNA position 1090, T replaced by C.
Protein change: p.Trp364Arg; replaces tryptophan 364 with arginine.
Molecular consequence: missense variant.
Genome position (GRCh38, 1-based): chr9:95,114,693, A>G on the plus strand (T>C on the coding strand, the complement: FANCC is on the minus strand). VCF-style: chr9-95114693-A-G. GRCh37 (hg19) VCF-style: chr9-97876975-A-G.
Other names: c.1090T>C, p.Trp364Arg (NM_001243743.2, NM_001243744.2); short protein forms W364R.
Identifiers: ClinVar variation 485549 (VCV000485549.21), dbSNP rs771694972, ClinGen allele CA196545703.